The following is an entry in ClinVar:

NM_001367721.1(CASK):c.545C>G (p.Thr182Arg)

Gene: CASK (calcium/calmodulin dependent serine protein kinase; minus strand). Cytogenetic location: Xp11.4.
Variant type: single nucleotide variant.
Coding change: c.545C>G on transcript NM_001367721.1 (MANE Select); coding-DNA position 545, C replaced by G.
Protein change: p.Thr182Arg; replaces threonine 182 with arginine.
Molecular consequence: missense variant.
Genome position (GRCh38, 1-based): chrX:41,665,440, G>C on the plus strand (C>G on the coding strand, the complement: CASK is on the minus strand). VCF-style: chrX-41665440-G-C. GRCh37 (hg19) VCF-style: chrX-41524693-G-C.
Other names: c.545C>G, p.Thr182Arg (NM_001126054.3, NM_001126055.3, NM_001410745.1 and 1 more transcripts); short protein forms T182R.
Identifiers: ClinVar variation 5018397 (VCV005018397.1).

ClinVar aggregate classification (germline): Uncertain significance (1 of 4 stars; one submission).

Submission:

GeneDx
Classification: Uncertain significance. Last evaluated: 2026-04-09. Review status: criteria provided, single submitter. Criteria: GeneDx Variant Classification Process June 2021. Collection method: clinical testing. Allele origin: germline.
Comment: Not observed at significant frequency in large population cohorts (gnomAD); In silico analysis supports that this missense variant has a deleterious effect on protein structure/function; Has not been previously published as pathogenic or benign to our knowledge